The following is an entry in ClinVar:

NM_152383.5(DIS3L2):c.1937A>C (p.Gln646Pro)

Gene: DIS3L2 (DIS3 like 3'-5' exoribonuclease 2; plus strand). Cytogenetic location: 2q37.1.
Variant type: single nucleotide variant.
Coding change: c.1937A>C on transcript NM_152383.5 (MANE Select); coding-DNA position 1937, A replaced by C.
Protein change: p.Gln646Pro; replaces glutamine 646 with proline.
Molecular consequence: missense variant. On other transcripts: non-coding transcript variant (2), intron variant (1).
Genome position (GRCh38, 1-based): chr2:232,330,703, A>C. VCF-style: chr2-232330703-A-C. GRCh37 (hg19) VCF-style: chr2-233195413-A-C.
Other names: c.1582-12642A>C (NM_001257281.2); short protein forms Q646P.
Identifiers: ClinVar variation 998551 (VCV000998551.6), dbSNP rs1695709713, ClinGen allele CA350976498.

ClinVar aggregate classification (germline): Uncertain significance (1 of 4 stars; one submission).

Conditions:
Perlman syndrome (PRLMNS). Identifiers: Orphanet 2849, MedGen C0796113, MONDO:0009965, OMIM 267000.

Allele frequency attached by ClinVar (database versions not stated): gnomAD exomes below 0.00001.
gnomAD v4.1: 4 of 1,614,018 alleles (0.00025%); highest among the groups gnomAD compares: Middle Eastern, 0.017%; no homozygotes.

Submission:

Labcorp Genetics (formerly Invitae), Labcorp
Classification: Uncertain significance for Perlman syndrome. Last evaluated: 2024-03-21. Review status: criteria provided, single submitter. Criteria: Invitae Variant Classification Sherloc (09022015). Collection method: clinical testing. Allele origin: germline.
Comment: This sequence change replaces glutamine, which is neutral and polar, with proline, which is neutral and non-polar, at codon 646 of the DIS3L2 protein (p.Gln646Pro). This variant is not present in population databases (gnomAD no frequency). This variant has not been reported in the literature in individuals affected with DIS3L2-related conditions. ClinVar contains an entry for this variant (Variation ID: 998551). Advanced modeling of protein sequence and biophysical properties (such as structural, functional, and spatial information, amino acid conservation, physicochemical variation, residue mobility, and thermodynamic stability) performed at Invitae indicates that this missense variant is not expected to disrupt DIS3L2 protein function with a negative predictive value of 80%. In summary, the available evidence is currently insufficient to determine the role of this variant in disease. Therefore, it has been classified as a Variant of Uncertain Significance.